The following is an entry in ClinVar:

ClinVar aggregate classification (germline): Uncertain significance (1 of 4 stars; one submission).

Submission:

Ambry Genetics
Classification: Uncertain significance. Last evaluated: 2022-05-09. Review status: criteria provided, single submitter. Criteria: Ambry Variant Classification Scheme 2023. Collection method: clinical testing. Allele origin: germline.
Comment: The p.N589K variant (also known as c.1767C>G), located in coding exon 17 of the NEBL gene, results from a C to G substitution at nucleotide position 1767. The asparagine at codon 589 is replaced by lysine, an amino acid with similar properties. This amino acid position is conserved. In addition, this alteration is predicted to be tolerated by in silico analysis. Since supporting evidence is limited at this time, the clinical significance of this alteration remains unclear.

NM_006393.3(NEBL):c.1767C>G (p.Asn589Lys)

Gene: NEBL (nebulette; minus strand). Cytogenetic location: 10p12.31.
Variant type: single nucleotide variant.
Coding change: c.1767C>G on transcript NM_006393.3 (MANE Select); coding-DNA position 1767, C replaced by G.
Protein change: p.Asn589Lys; replaces asparagine 589 with lysine.
Molecular consequence: missense variant. On other transcripts: intron variant (9).
Genome position (GRCh38, 1-based): chr10:20,828,539, G>C on the plus strand (C>G on the coding strand, the complement: NEBL is on the minus strand). VCF-style: chr10-20828539-G-C. GRCh37 (hg19) VCF-style: chr10-21117468-G-C.
Other names: c.250-15599C>G (NM_001377326.1, NM_001377327.1, NM_001377328.1); c.358-15599C>G (NM_213569.2, NM_001173484.2, NM_001377322.1); c.301-15599C>G (NM_001377324.1); c.292-15599C>G (NM_001377325.1); c.310-15599C>G (NM_001377323.1); short protein forms N589K.
Identifiers: ClinVar variation 1779700 (VCV001779700.2), dbSNP rs199587783, ClinGen allele CA376096460.